The following is an entry in ClinVar:

ClinVar aggregate classification (germline): Pathogenic (1 of 4 stars; one submission).

Conditions:
Metachromatic leukodystrophy (MLD). Also called: Cerebral sclerosis diffuse metachromatic form; Arylsulfatase A Deficiency; ARSA DEFICIENCY; CEREBROSIDE SULFATASE DEFICIENCY; METACHROMATIC LEUKOENCEPHALOPATHY; SULFATIDE LIPIDOSIS. Identifiers: Orphanet 512, MedGen C0023522, MONDO:0018868, OMIM 250100.

Submission:

Labcorp Genetics (formerly Invitae), Labcorp
Classification: Pathogenic for Metachromatic leukodystrophy. Last evaluated: 2023-02-09. Review status: criteria provided, single submitter. Criteria: Invitae Variant Classification Sherloc (09022015). Collection method: clinical testing. Allele origin: germline.
Comment: This sequence change creates a premature translational stop signal (p.Gly156Alafs*6) in the ARSA gene. It is expected to result in an absent or disrupted protein product. Loss-of-function variants in ARSA are known to be pathogenic (PMID: 8962139, 10477432). This variant is not present in population databases (gnomAD no frequency). This variant has not been reported in the literature in individuals affected with ARSA-related conditions. ClinVar contains an entry for this variant (Variation ID: 856376). For these reasons, this variant has been classified as Pathogenic.

Literature cited by the submitters: PubMed 8962139; PubMed 10477432.

NC_000022.11:g.50627053del

Gene: ARSA (arylsulfatase A; minus strand). Cytogenetic location: 22q13.33.
Variant type: Deletion.
Genome position: GRCh38 VCF-style: chr22-50627050-GC-G. GRCh37 (hg19) VCF-style: chr22-51065478-GC-G.
Identifiers: ClinVar variation 856376 (VCV000856376.47), dbSNP rs2082684340, ClinGen allele CA916084121.